The following is an entry in ClinVar:

ClinVar aggregate classification (germline): Likely benign (1 of 4 stars; one submission).

Conditions:
INPP5E-related disorder. Also called: INPP5E-related condition.

gnomAD v4.1: 4 of 1,609,766 alleles (0.00025%); highest among the groups gnomAD compares: Admixed American, 0.0034%; no homozygotes.

Submission:

PreventionGenetics, part of Exact Sciences
Classification: Likely benign for INPP5E-related condition. Last evaluated: 2024-12-03. Review status: criteria provided, single submitter. Criteria: ACMG Guidelines, 2015. Collection method: clinical testing. Allele origin: germline.
Comment: This variant is classified as likely benign based on ACMG/AMP sequence variant interpretation guidelines (Richards et al. 2015 PMID: 25741868, with internal and published modifications).

NM_019892.6(INPP5E):c.1503G>A (p.Val501=)

Gene: INPP5E (inositol polyphosphate-5-phosphatase E; minus strand). Cytogenetic location: 9q34.3.
Variant type: single nucleotide variant.
Coding change: c.1503G>A on transcript NM_019892.6 (MANE Select); coding-DNA position 1503, G replaced by A.
Protein change: p.Val501=; no amino-acid change (valine 501 retained).
Molecular consequence: synonymous variant.
Genome position (GRCh38, 1-based): chr9:136,431,870, C>T on the plus strand (G>A on the coding strand, the complement: INPP5E is on the minus strand). VCF-style: chr9-136431870-C-T. GRCh37 (hg19) VCF-style: chr9-139326322-C-T.
Other names: c.1500G>A, p.Val500= (NM_001318502.2).
Identifiers: ClinVar variation 4999185 (VCV004999185.1).